The following is an entry in ClinVar:

NM_002296.4(LBR):c.1764G>A (p.Glu588=)

Gene: LBR (lamin B receptor; minus strand). Cytogenetic location: 1q42.12.
Variant type: single nucleotide variant.
Coding change: c.1764G>A on transcript NM_002296.4 (MANE Select); coding-DNA position 1764, G replaced by A.
Protein change: p.Glu588=; no amino-acid change (glutamic acid 588 retained).
Molecular consequence: synonymous variant.
Genome position (GRCh38, 1-based): chr1:225,403,387, C>T on the plus strand (G>A on the coding strand, the complement: LBR is on the minus strand). VCF-style: chr1-225403387-C-T. GRCh37 (hg19) VCF-style: chr1-225591089-C-T.
Other names: c.1764G>A, p.Glu588= (NM_194442.3).
Identifiers: ClinVar variation 3352099 (VCV003352099.3).

ClinVar aggregate classification (germline): Likely benign. Review status: criteria provided, single submitter (1 of 4 stars). 2 submissions from 2 submitters: Likely benign (1). 1 of the submissions does not count toward it. Last evaluated 2024-07-15.

Conditions:
LBR-related disorder. Also called: LBR-related condition; LBR-related disorders.

gnomAD v4.1: 76 of 1,613,130 alleles (0.0047%); highest among the groups gnomAD compares: Non-Finnish European, 0.0058%; no homozygotes.

Submissions (2):

Labcorp Genetics (formerly Invitae), Labcorp
Classification: Likely benign. Last evaluated: 2024-07-15. Review status: criteria provided, single submitter. Criteria: Invitae Variant Classification Sherloc (09022015). Collection method: clinical testing. Allele origin: germline.

PreventionGenetics, part of Exact Sciences
Classification: Likely benign for LBR-related condition. Last evaluated: 2024-05-22. Review status: no assertion criteria provided. Collection method: clinical testing. Allele origin: germline. Not counted in ClinVar's aggregate classification.
Comment: This variant is classified as likely benign based on ACMG/AMP sequence variant interpretation guidelines (Richards et al. 2015 PMID: 25741868, with internal and published modifications).